The following is an entry in ClinVar:

ClinVar aggregate classification (germline): Uncertain significance (1 of 4 stars; one submission).

Allele frequency attached by ClinVar (database versions not stated): gnomAD 0.00001; TOPMed 0.00002.
gnomAD v4.1: 5 of 1,613,912 alleles (0.00031%); highest among the groups gnomAD compares: African/African-American, 0.0053%; no homozygotes.

Submission:

Labcorp Genetics (formerly Invitae), Labcorp
Classification: Uncertain significance. Last evaluated: 2022-06-13. Review status: criteria provided, single submitter. Criteria: Invitae Variant Classification Sherloc (09022015). Collection method: clinical testing. Allele origin: germline.
Comment: In summary, the available evidence is currently insufficient to determine the role of this variant in disease. Therefore, it has been classified as a Variant of Uncertain Significance. Algorithms developed to predict the effect of missense changes on protein structure and function (SIFT, PolyPhen-2, Align-GVGD) all suggest that this variant is likely to be disruptive. This variant has not been reported in the literature in individuals affected with ADAMTSL4-related conditions. This variant is not present in population databases (gnomAD no frequency). This sequence change replaces serine, which is neutral and polar, with threonine, which is neutral and polar, at codon 458 of the ADAMTSL4 protein (p.Ser458Thr).

NM_019032.6(ADAMTSL4):c.1373G>C (p.Ser458Thr)

Genes: ADAMTSL4 (ADAMTS like 4; plus strand), ADAMTSL4-AS2 (ADAMTSL4 antisense RNA 2; minus strand). Cytogenetic location: 1q21.2.
Variant type: single nucleotide variant.
Coding change: c.1373G>C on transcript NM_019032.6 (MANE Select); coding-DNA position 1373, G replaced by C.
Protein change: p.Ser458Thr; replaces serine 458 with threonine.
Molecular consequence: missense variant.
Genome position (GRCh38, 1-based): chr1:150,556,163, G>C. VCF-style: chr1-150556163-G-C. GRCh37 (hg19) VCF-style: chr1-150528639-G-C.
Other names: c.1442G>C, p.Ser481Thr (NM_001288607.2, NM_001288608.2); c.1373G>C, p.Ser458Thr (NM_001378596.1, NM_025008.5); short protein forms S481T, S458T.
Identifiers: ClinVar variation 2005965 (VCV002005965.2), dbSNP rs903505051, ClinGen allele CA30069208.
Genomic context (GRCh38, chr1:150,556,163, plus strand): 5'-GGTGGGGTTGAGGTGGTGTCTGGCGTTCTGTGGCCACTGCCTCACCTCACTCTCTCCAGA[G>C]CCCCGGCTGTGATGGGATCCTTGGCTCTGGCAGGCGTCCTGATGGCTGTGGAGTCTGTGG-3'
Protein context (NP_061905.2, residues 448-468): PDICVAGRCL[Ser458Thr]PGCDGILGSG